The following is an entry in ClinVar:

NM_000308.4(CTSA):c.1104dup (p.Gln369fs)

Gene: CTSA (cathepsin A; plus strand). Cytogenetic location: 20q13.12.
Variant type: Duplication.
Coding change: c.1104dup on transcript NM_000308.4 (MANE Select); coding-DNA position 1104, one base duplicated (A; older notation c.1104dupA).
Protein change: p.Gln369fs; shifts the reading frame from glutamine 369.
Molecular consequence: frameshift variant. On other transcripts: non-coding transcript variant (1).
Genome position (GRCh38, 1-based): chr20:45,896,980, A duplicated. VCF-style (leftmost placement, unchanged base first): chr20-45896979-T-TA. GRCh37 (hg19) VCF-style: chr20-44525618-T-TA.
Other names: c.1104dup, p.Gln369fs (NM_001127695.3); c.1053dup, p.Gln352fs (NM_001167594.3); short protein forms Q369fs, Q352fs.
Identifiers: ClinVar variation 1322173 (VCV001322173.6), dbSNP rs2083116648, ClinGen allele CA2366423131.

ClinVar aggregate classification (germline): Pathogenic. Review status: criteria provided, multiple submitters, no conflicts (2 of 4 stars). 2 submissions from 2 submitters: Pathogenic (2). Last evaluated 2025-12-08.

Conditions:
Combined deficiency of sialidase AND beta galactosidase (GSL). Also called: Galactosialidosis; CATHEPSIN A DEFICIENCY; GOLDBERG SYNDROME; NEURAMINIDASE DEFICIENCY WITH BETA-GALACTOSIDASE DEFICIENCY; NEURAMINIDASE/BETA-GALACTOSIDASE EXPRESSION; PPCA DEFICIENCY. Identifiers: Orphanet 351, MedGen C0268233, MONDO:0009737, OMIM 256540.

Submissions (2):

Labcorp Genetics (formerly Invitae), Labcorp
Classification: Pathogenic for Combined deficiency of sialidase AND beta galactosidase. Last evaluated: 2025-12-08. Review status: criteria provided, single submitter. Criteria: Invitae Variant Classification Sherloc (09022015). Collection method: clinical testing. Allele origin: germline.
Comment: This sequence change creates a premature translational stop signal (p.Gln387Thrfs*18) in the CTSA gene. It is expected to result in an absent or disrupted protein product. Loss-of-function variants in CTSA are known to be pathogenic (PMID: 15110321, 23915561). This variant is not present in population databases (gnomAD no frequency). This variant has not been reported in the literature in individuals affected with CTSA-related conditions. ClinVar contains an entry for this variant (Variation ID: 1322173). Algorithms developed to predict the effect of sequence changes on RNA splicing suggest that this variant may disrupt the consensus splice site. For these reasons, this variant has been classified as Pathogenic.

Revvity Omics, Revvity
Classification: Pathogenic for Combined deficiency of sialidase AND beta galactosidase. Last evaluated: 2019-01-29. Review status: criteria provided, single submitter. Criteria: ACMG Guidelines, 2015. Collection method: clinical testing. Allele origin: germline.

Literature cited by the submitters: PubMed 15110321 (cited by Labcorp Genetics (formerly Invitae), Labcorp); PubMed 23915561 (cited by Labcorp Genetics (formerly Invitae), Labcorp).